The following is an entry in ClinVar:

ClinVar aggregate classification (germline): Uncertain significance. Review status: criteria provided, multiple submitters, no conflicts (2 of 4 stars). 6 submissions from 6 submitters: Uncertain significance (6). Last evaluated 2025-12-07.

Conditions:
Ataxia-hypogonadism-choroidal dystrophy syndrome (BNHS). Also called: Boucher-Neuhäuser Syndrome (BNS); Chorioretinal dystrophy, spinocerebellar ataxia and hypogonadotropic hypogonadism. Identifiers: Orphanet 1180, MedGen C1859093, MONDO:0008980, OMIM 215470.
Trichomegaly-retina pigmentary degeneration-dwarfism syndrome (OMCS). Also called: Oliver-McFarlane Syndrome (OMCS); OLIVER-MCFARLANE SYNDROME; Eyelashes long mental retardation; Trichomegaly retina pigmentary degeneration dwarfism. Identifiers: Orphanet 3363, MedGen C1848745, MONDO:0010152, OMIM 275400.
Hereditary spastic paraplegia 39 (SPG39). Also called: Spastic Paraplegia Type 39 (SPG39); SPASTIC PARAPLEGIA 39, AUTOSOMAL RECESSIVE. Identifiers: Orphanet 139480, MedGen C2677586, MONDO:0012787, OMIM 612020.
Laurence-Moon syndrome (LNMS). Also called: PNPLA6-Related Laurence-Moon Syndrome (LMS). Identifiers: Orphanet 2377, MedGen C0023138, MONDO:0009514, OMIM 245800.
PNPLA6-related disorder. Also called: PNPLA6-related disorders; PNPLA6-related condition.
Inborn genetic diseases. Identifiers: MedGen C0950123, MeSH D030342.

Allele frequency attached by ClinVar (database versions not stated): ExAC 0.00002; gnomAD 0.00003 and 0.00004; gnomAD exomes 0.00004 and 0.00007; TOPMed 0.00005; ESP Exome Variant Server 0.00023.
gnomAD v4.1: 105 of 1,612,898 alleles (0.0065%); highest among the groups gnomAD compares: Middle Eastern, 0.066%; no homozygotes.

Submissions (6):

3billion
Classification: Uncertain significance for PNPLA6-related disorder. Last evaluated: 2025-12-07. Review status: criteria provided, single submitter. Criteria: ACMG Guidelines, 2015. Collection method: clinical testing. Allele origin: germline. Affected: yes.
Comment: The variant is observed at an extremely low frequency in the gnomAD v4.1.0 dataset (total allele frequency: 0.007%). Predicted Consequence/Location: Missense variant In silico tool predictions suggest no damaging effect of the variant on gene or gene product [REVEL: 0.01 (<0.4); 3Cnet: 0.00 (<0.1, specificity 0.84 and negative predicitive value 0.97)]. The variant has been reported as of uncertain significance (ClinVar ID: VCV000567501). Different missense changes at the same codon have been reported as of uncertain significance (ClinVar ID: VCV001021496). Therefore, this variant is classified as VUS according to the recommendation of ACMG/AMP guideline.

Ambry Genetics
Classification: Uncertain significance for Inborn genetic diseases. Last evaluated: 2025-05-18. Review status: criteria provided, single submitter. Criteria: Ambry Variant Classification Scheme 2023. Collection method: clinical testing. Allele origin: germline.

Blueprint Genetics
Classification: Uncertain significance. Last evaluated: 2024-10-04. Review status: criteria provided, single submitter. Criteria: ACMG Guidelines, 2015. Collection method: clinical testing. Allele origin: germline.

Labcorp Genetics (formerly Invitae), Labcorp
Classification: Uncertain significance for Hereditary spastic paraplegia 39. Last evaluated: 2022-08-16. Review status: criteria provided, single submitter. Criteria: Invitae Variant Classification Sherloc (09022015). Collection method: clinical testing. Allele origin: germline.
Comment: This sequence change replaces serine, which is neutral and polar, with leucine, which is neutral and non-polar, at codon 438 of the PNPLA6 protein (p.Ser438Leu). This variant is present in population databases (rs140929996, gnomAD 0.04%). This missense change has been observed in individual(s) with clinical features of PNPLA6-related conditions (Invitae). In at least one individual the data is consistent with being in trans (on the opposite chromosome) from a pathogenic variant. ClinVar contains an entry for this variant (Variation ID: 567501). Algorithms developed to predict the effect of missense changes on protein structure and function output the following: SIFT: "Tolerated"; PolyPhen-2: "Benign"; Align-GVGD: "Class C0". The leucine amino acid residue is found in multiple mammalian species, which suggests that this missense change does not adversely affect protein function. In summary, the available evidence is currently insufficient to determine the role of this variant in disease. Therefore, it has been classified as a Variant of Uncertain Significance.

New York Genome Center
Classification: Uncertain significance for Laurence-Moon syndrome; Ataxia-hypogonadism-choroidal dystrophy syndrome; Trichomegaly-retina pigmentary degeneration-dwarfism syndrome; Hereditary spastic paraplegia 39. Last evaluated: 2021-07-16. Review status: criteria provided, single submitter. Criteria: NYGC Assertion Criteria 2020. Collection method: clinical testing. Allele origin: inherited. Observed: 1 compound heterozygote. Study: CSER-NYCKidSeq.
Comment: The inherited c.1430C>T (p.Ser477Leu) variant identified in the PNPLA6 gene substitutes a moderately conserved Serine for Leucine atamino acid 477/1366 (exon 12/32). This variant is found with low frequency in gnomAD(v3.1.1) (5 heterozygotes, 0 homozygotes; allele frequency: 3.29e-5) suggesting it is not a common benign variant in the populations represented in that database. In silico algorithms predict this variant to be Tolerated (SIFT; score: 0.219) and Benign (REVEL; score: 0.013) to the function of the canonical transcript. It is reported as a Variant of Uncertain Significance in ClinVar (VarID:567501) and to our current knowledge has not been reported in affected individuals in the literature. The p.Ser477 residue is not within a mapped domain of PNPLA6 (UniProtKB:Q8IY17). Given the lack of compelling evidence for its pathogenicity, the inherited c.1430C>T (p.Ser477Leu) variant identified in the PNPLA6 gene is reported as a Variant of Uncertain Significance.

Illumina Laboratory Services, Illumina
Classification: Uncertain significance for Hereditary spastic paraplegia 39. Last evaluated: 2018-01-13. Review status: criteria provided, single submitter. Criteria: ICSL Variant Classification Criteria 13 December 2019. Collection method: clinical testing. Allele origin: germline.

NM_001166114.2(PNPLA6):c.1430C>T (p.Ser477Leu)

Gene: PNPLA6 (patatin like domain 6, lysophospholipase; plus strand). Cytogenetic location: 19p13.2.
Variant type: single nucleotide variant.
Coding change: c.1430C>T on transcript NM_001166114.2 (MANE Select); coding-DNA position 1430, C replaced by T.
Protein change: p.Ser477Leu; replaces serine 477 with leucine.
Molecular consequence: missense variant.
Genome position (GRCh38, 1-based): chr19:7,542,828, C>T. VCF-style: chr19-7542828-C-T. GRCh37 (hg19) VCF-style: chr19-7607714-C-T.
Other names: c.1457C>T, p.Ser486Leu (NM_001166111.2); c.1313C>T, p.Ser438Leu (NM_001166112.2, NM_001166113.1, NM_006702.5); short protein forms S438L, S477L, S486L.
Identifiers: ClinVar variation 567501 (VCV000567501.17), dbSNP rs140929996, ClinGen allele CA9139813.